The following is an entry in ClinVar:

ClinVar aggregate classification (germline): Uncertain significance. Review status: criteria provided, multiple submitters, no conflicts (2 of 4 stars). 2 submissions from 2 submitters: Uncertain significance (2). Last evaluated 2026-07-23.

Conditions:
MECOM-related disorder. Also called: MECOM-related condition.
Inborn genetic diseases. Identifiers: MedGen C0950123, MeSH D030342.

gnomAD v4.1: 3 of 1,613,760 alleles (0.00019%); highest among the groups gnomAD compares: Non-Finnish European, 0.00025%; no homozygotes.

Submissions (2):

PreventionGenetics, part of Exact Sciences
Classification: Uncertain significance for MECOM-related condition. Last evaluated: 2026-07-23. Review status: criteria provided, single submitter. Criteria: ACMG Guidelines, 2015. Collection method: clinical testing. Allele origin: germline.
Comment: The MECOM c.2651C>T variant is predicted to result in the amino acid substitution p.Ala884Val. To our knowledge, this variant has not been reported in the literature or in a large population database (gnomAD), indicating this variant is rare. At this time, the clinical significance of this variant is uncertain due to the absence of conclusive functional and genetic evidence.

Ambry Genetics
Classification: Uncertain significance for Inborn genetic diseases. Last evaluated: 2024-12-14. Review status: criteria provided, single submitter. Criteria: Ambry Variant Classification Scheme 2023. Collection method: clinical testing. Allele origin: germline.
Comment: The p.A884V variant (also known as c.2651C>T), located in coding exon 11 of the MECOM gene, results from a C to T substitution at nucleotide position 2651. The alanine at codon 884 is replaced by valine, an amino acid with similar properties. This amino acid position is conserved. In addition, this alteration is predicted to be tolerated by in silico analysis. Based on the available evidence, the clinical significance of this variant remains unclear.

NM_004991.4(MECOM):c.2651C>T (p.Ala884Val)

Gene: MECOM (MDS1 and EVI1 complex locus; minus strand). Cytogenetic location: 3q26.2.
Variant type: single nucleotide variant.
Coding change: c.2651C>T on transcript NM_004991.4 (MANE Select); coding-DNA position 2651, C replaced by T.
Protein change: p.Ala884Val; replaces alanine 884 with valine.
Molecular consequence: missense variant.
Genome position (GRCh38, 1-based): chr3:169,102,180, G>A on the plus strand (C>T on the coding strand, the complement: MECOM is on the minus strand). VCF-style: chr3-169102180-G-A. GRCh37 (hg19) VCF-style: chr3-168819968-G-A.
Other names: c.2282C>T, p.Ala761Val (NM_001105077.4); c.2087C>T, p.Ala696Val (NM_001105078.4, NM_001205194.2, NM_001366469.2 and 1 more transcripts); c.2063C>T, p.Ala688Val (NM_001163999.2, NM_001366470.2); c.2060C>T, p.Ala687Val (NM_001164000.2, NM_001366471.2, NM_001366472.2); c.2624C>T, p.Ala875Val (NM_001366466.2); c.2090C>T, p.Ala697Val (NM_001366467.2, NM_001366468.2); c.1652C>T, p.Ala551Val (NM_001366473.2); c.1088C>T, p.Ala363Val (NM_001366474.2); short protein forms A687V, A688V, A363V, A551V, A761V, A884V, A696V, A697V.
Identifiers: ClinVar variation 3871594 (VCV003871594.2).